The following is an entry in ClinVar:

NM_001033855.3(DCLRE1C):c.1670_1671del (p.Thr557fs)

Gene: DCLRE1C (DNA cross-link repair 1C; minus strand). Cytogenetic location: 10p13.
Variant type: Deletion.
Coding change: c.1670_1671del on transcript NM_001033855.3 (MANE Select); coding-DNA positions 1670 to 1671, 2 bases deleted (CT; older notation c.1670_1671delCT).
Protein change: p.Thr557fs; shifts the reading frame from threonine 557.
Molecular consequence: frameshift variant. On other transcripts: non-coding transcript variant (4).
Genome position (GRCh38, 1-based): chr10:14,908,816-14,908,817, AG deleted on the plus strand (CT on the coding strand, the reverse complement: DCLRE1C is on the minus strand). VCF-style (leftmost placement, unchanged base first): chr10-14908815-CAG-C. GRCh37 (hg19) VCF-style: chr10-14950814-CAG-C.
Other names: c.1310_1311del, p.Thr437fs (NM_001033857.3, NM_001033858.3, NM_001289077.2 and 2 more transcripts); c.1325_1326del, p.Thr442fs (NM_001289076.2, NM_001289078.2, NM_001350966.2 and 1 more transcripts); c.1670_1671del, p.Thr557fs (NM_001350965.2); short protein forms T437fs, T442fs, T557fs.
Identifiers: ClinVar variation 1163043 (VCV001163043.6), dbSNP rs1834759683, ClinGen allele CA1892356743.

ClinVar aggregate classification (germline): Pathogenic/Likely pathogenic. Review status: criteria provided, multiple submitters, no conflicts (2 of 4 stars). 2 submissions from 2 submitters: Pathogenic (1); Likely pathogenic (1). Last evaluated 2025-12-03.

Conditions:
Severe combined immunodeficiency due to DCLRE1C deficiency (RS-SCID). Also called: SCID, AUTOSOMAL RECESSIVE, T CELL-NEGATIVE, B CELL-NEGATIVE, NK CELL-POSITIVE, WITH SENSITIVITY TO IONIZING RADIATION. Identifiers: Orphanet 275, MedGen C1865371, MONDO:0011225, OMIM 602450.

Allele frequency attached by ClinVar (database versions not stated): TOPMed below 0.00001.

Submissions (2):

Labcorp Genetics (formerly Invitae), Labcorp
Classification: Pathogenic for Athabaskan severe combined immunodeficiency. Last evaluated: 2025-12-03. Review status: criteria provided, single submitter. Criteria: Invitae Variant Classification Sherloc (09022015). Collection method: clinical testing. Allele origin: germline.
Comment: This sequence change creates a premature translational stop signal (p.Thr557Serfs*20) in the DCLRE1C gene. While this is not anticipated to result in nonsense mediated decay, it is expected to disrupt the last 136 amino acid(s) of the DCLRE1C protein. This variant is not present in population databases (gnomAD no frequency). This variant has not been reported in the literature in individuals affected with DCLRE1C-related conditions. ClinVar contains an entry for this variant (Variation ID: 1163043). This variant disrupts a region of the DCLRE1C protein in which other variant(s) (p.Thr557Asnfs*21) have been determined to be pathogenic (PMID: 26476407). This suggests that this is a clinically significant region of the protein, and that variants that disrupt it are likely to be disease-causing. For these reasons, this variant has been classified as Pathogenic.

Mayo Clinic Laboratories, Mayo Clinic
Classification: Likely pathogenic. Last evaluated: 2020-03-23. Review status: criteria provided, single submitter. Criteria: ACMG Guidelines, 2015. Collection method: clinical testing. Allele origin: germline. Observed: 1 variant allele.
Comment: PVS1_Strong, PM2

Literature cited by the submitters: PubMed 26476407 (cited by Labcorp Genetics (formerly Invitae), Labcorp).